The following is an entry in ClinVar:

ClinVar aggregate classification (germline): Uncertain significance. Review status: criteria provided, single submitter (1 of 4 stars). 2 submissions from 2 submitters: Uncertain significance (1). 1 of the submissions does not count toward it. Last evaluated 2025-05-26.

Conditions:
ARSD-related disorder. Also called: ARSD-related condition.

Allele frequency attached by ClinVar (database versions not stated): gnomAD exomes 0.00007; ExAC 0.00018; 1000 Genomes Project 30x 0.00042; 1000 Genomes Project 0.00053.
gnomAD v4.1: 83 of 1,210,166 alleles (0.0069%); highest among the groups gnomAD compares: East Asian, 0.16%; no homozygotes.

Submissions (2):

Ambry Genetics
Classification: Uncertain significance. Last evaluated: 2025-05-26. Review status: criteria provided, single submitter. Criteria: Ambry Variant Classification Scheme 2023. Collection method: clinical testing. Allele origin: germline.

PreventionGenetics, part of Exact Sciences
Classification: Likely benign for ARSD-related condition. Last evaluated: 2022-03-01. Review status: no assertion criteria provided. Collection method: clinical testing. Allele origin: germline. Not counted in ClinVar's aggregate classification.
Comment: This variant is classified as likely benign based on ACMG/AMP sequence variant interpretation guidelines (Richards et al. 2015 PMID: 25741868, with internal and published modifications).

NM_001669.4(ARSD):c.1615G>A (p.Ala539Thr)

Gene: ARSD (arylsulfatase D; minus strand). Cytogenetic location: Xp22.33.
Variant type: single nucleotide variant.
Coding change: c.1615G>A on transcript NM_001669.4 (MANE Select); coding-DNA position 1615, G replaced by A.
Protein change: p.Ala539Thr; replaces alanine 539 with threonine.
Molecular consequence: missense variant.
Genome position (GRCh38, 1-based): chrX:2,907,438, C>T on the plus strand (G>A on the coding strand, the complement: ARSD is on the minus strand). VCF-style: chrX-2907438-C-T. GRCh37 (hg19) VCF-style: chrX-2825479-C-T.
Other names: short protein forms A539T.
Identifiers: ClinVar variation 2458187 (VCV002458187.5), dbSNP rs200785812, ClinGen allele CA10337403.